The following is an entry in ClinVar:

ClinVar aggregate classification (germline): Uncertain significance (1 of 4 stars; one submission).

gnomAD v4.1: 13 of 1,540,986 alleles (0.00084%); highest among the groups gnomAD compares: Non-Finnish European, 0.0011%; no homozygotes.

Submission:

Labcorp Genetics (formerly Invitae), Labcorp
Classification: Uncertain significance. Last evaluated: 2025-04-19. Review status: criteria provided, single submitter. Criteria: Invitae Variant Classification Sherloc (09022015). Collection method: clinical testing. Allele origin: germline.
Comment: This sequence change replaces arginine, which is basic and polar, with leucine, which is neutral and non-polar, at codon 1408 of the DCHS1 protein (p.Arg1408Leu). This variant is not present in population databases (gnomAD no frequency). This variant has not been reported in the literature in individuals affected with DCHS1-related conditions. Invitae Evidence Modeling of protein sequence and biophysical properties (such as structural, functional, and spatial information, amino acid conservation, physicochemical variation, residue mobility, and thermodynamic stability) indicates that this missense variant is expected to disrupt DCHS1 protein function with a positive predictive value of 80%. In summary, the available evidence is currently insufficient to determine the role of this variant in disease. Therefore, it has been classified as a Variant of Uncertain Significance.

NM_003737.4(DCHS1):c.4223G>T (p.Arg1408Leu)

Gene: DCHS1 (dachsous cadherin-related 1; minus strand). Cytogenetic location: 11p15.4.
Variant type: single nucleotide variant.
Coding change: c.4223G>T on transcript NM_003737.4 (MANE Select); coding-DNA position 4223, G replaced by T.
Protein change: p.Arg1408Leu; replaces arginine 1408 with leucine.
Molecular consequence: missense variant.
Genome position (GRCh38, 1-based): chr11:6,630,571, C>A on the plus strand (G>T on the coding strand, the complement: DCHS1 is on the minus strand). VCF-style: chr11-6630571-C-A. GRCh37 (hg19) VCF-style: chr11-6651802-C-A.
Other names: short protein forms R1408L.
Identifiers: ClinVar variation 4807029 (VCV004807029.1).